The following is an entry in ClinVar:

ClinVar aggregate classification (germline): Likely benign. Review status: criteria provided, multiple submitters, no conflicts (2 of 4 stars). 3 submissions from 3 submitters: Likely benign (3). Last evaluated 2023-12-31.

Conditions:
Multiple endocrine neoplasia, type 2 (MEN2). Identifiers: Orphanet 653, MedGen C4048306, MONDO:0019003. Disease mechanism: gain of function.
Hereditary cancer-predisposing syndrome. Also called: Tumor predisposition; Neoplastic Syndromes, Hereditary; Hereditary Cancer Syndrome; Hereditary neoplastic syndrome. Identifiers: Orphanet 140162, MedGen C0027672, MeSH D009386, MONDO:0015356.

Submissions (3):

Ambry Genetics
Classification: Likely benign for Hereditary cancer-predisposing syndrome. Last evaluated: 2023-12-31. Review status: criteria provided, single submitter. Criteria: Ambry Variant Classification Scheme 2023. Collection method: clinical testing. Allele origin: germline.

All of Us Research Program, National Institutes of Health
Classification: Likely benign for Multiple endocrine neoplasia, type 2. Last evaluated: 2023-10-27. Review status: criteria provided, single submitter. Criteria: ACMG Guidelines, 2015. Collection method: clinical testing. Allele origin: germline. Inheritance: Autosomal dominant inheritance. Observed: 1 variant allele, 1 heterozygote.
Comment: This study involves interpretation of variants in research participants for the purpose of population health screening. Participant phenotype was not available at the time of variant classification. Additional details can be found in publication PMID: 35346344, PMCID: PMC8962531

Labcorp Genetics (formerly Invitae), Labcorp
Classification: Likely benign for Multiple endocrine neoplasia, type 2. Last evaluated: 2023-04-07. Review status: criteria provided, single submitter. Criteria: Invitae Variant Classification Sherloc (09022015). Collection method: clinical testing. Allele origin: germline.

NM_020975.6(RET):c.1347C>T (p.Cys449=)

Gene: RET (ret proto-oncogene; plus strand). Cytogenetic location: 10q11.21.
Variant type: single nucleotide variant.
Coding change: c.1347C>T on transcript NM_020975.6 (MANE Select); coding-DNA position 1347, C replaced by T.
Protein change: p.Cys449=; no amino-acid change (cysteine 449 retained).
Molecular consequence: synonymous variant. On other transcripts: intron variant (15).
Genome position (GRCh38, 1-based): chr10:43,111,290, C>T. VCF-style: chr10-43111290-C-T. GRCh37 (hg19) VCF-style: chr10-43606738-C-T.
Other names: c.1347C>T, p.Cys449= (NM_000323.2, NM_001406743.1, NM_001406744.1 and 6 more transcripts); c.585C>T, p.Cys195= (NM_001355216.2); c.1218C>T, p.Cys406= (NM_001406761.1, NM_001406762.1, NM_001406764.1 and 1 more transcripts); c.1059C>T, p.Cys353= (NM_001406766.1, NM_001406767.1, NM_001406770.1); c.951C>T, p.Cys317= (NM_001406769.1, NM_001406772.1); c.909C>T, p.Cys303= (NM_001406771.1, NM_001406773.1); c.822C>T, p.Cys274= (NM_001406774.1); c.621C>T, p.Cys207= (NM_001406775.1, NM_001406776.1, NM_001406777.1 and 1 more transcripts); and 5 more.
Identifiers: ClinVar variation 1158529 (VCV001158529.12), dbSNP rs2132768560, ClinGen allele CA469479670.